The following is an entry in ClinVar:

NM_013447.4(ADGRE2):c.2353-3C>T

Gene: ADGRE2 (adhesion G protein-coupled receptor E2; minus strand). Cytogenetic location: 19p13.12.
Variant type: single nucleotide variant.
Coding change: c.2353-3C>T on transcript NM_013447.4 (MANE Select); 3 bases into the intron before coding-DNA position 2353, C replaced by T.
Molecular consequence: intron variant.
Genome position (GRCh38, 1-based): chr19:14,743,533, G>A on the plus strand (C>T on the coding strand, the complement: ADGRE2 is on the minus strand). VCF-style: chr19-14743533-G-A. GRCh37 (hg19) VCF-style: chr19-14854345-G-A.
Other names: c.2074-3C>T (NM_152917.2); c.2206-3C>T (NM_152916.2); c.2179-3C>T (NM_001271052.1).
Identifiers: ClinVar variation 4695451 (VCV004695451.1).

ClinVar aggregate classification (germline): Uncertain significance (1 of 4 stars; one submission).

gnomAD v4.1: 9 of 1,613,944 alleles (0.00056%); highest among the groups gnomAD compares: African/African-American, 0.012%; no homozygotes.

Submission:

Labcorp Genetics (formerly Invitae), Labcorp
Classification: Uncertain significance. Last evaluated: 2025-10-15. Review status: criteria provided, single submitter. Criteria: Invitae Variant Classification Sherloc (09022015). Collection method: clinical testing. Allele origin: germline.
Comment: This sequence change falls in intron 19 of the ADGRE2 gene. It does not directly change the encoded amino acid sequence of the ADGRE2 protein. It affects a nucleotide within the consensus splice site. This variant is present in population databases (rs754073720, gnomAD 0.02%). This variant has not been reported in the literature in individuals affected with ADGRE2-related conditions. Variants that disrupt the consensus splice site are a relatively common cause of aberrant splicing (PMID: 17576681, 9536098). Algorithms developed to predict the effect of sequence changes on RNA splicing suggest that this variant is not likely to affect RNA splicing. In summary, the available evidence is currently insufficient to determine the role of this variant in disease. Therefore, it has been classified as a Variant of Uncertain Significance.

Literature cited by the submitters: PubMed 17576681; PubMed 9536098.